The following is an entry in ClinVar:

NM_005765.3(ATP6AP2):c.673C>T (p.Arg225Cys)

Gene: ATP6AP2 (ATPase H+ transporting accessory protein 2; plus strand). Cytogenetic location: Xp11.4.
Variant type: single nucleotide variant.
Coding change: c.673C>T on transcript NM_005765.3 (MANE Select); coding-DNA position 673, C replaced by T.
Protein change: p.Arg225Cys; replaces arginine 225 with cysteine.
Molecular consequence: missense variant.
Genome position (GRCh38, 1-based): chrX:40,599,676, C>T. VCF-style: chrX-40599676-C-T. GRCh37 (hg19) VCF-style: chrX-40458928-C-T.
Other names: short protein forms R225C.
Identifiers: ClinVar variation 1381753 (VCV001381753.8), dbSNP rs1158279990, ClinGen allele CA412756906.

ClinVar aggregate classification (germline): Uncertain significance (1 of 4 stars; one submission).

Conditions:
Intellectual developmental disorder, X-linked, syndromic, Hedera type. Also called: Syndromic X-linked intellectual disability Hedera type. Identifiers: Orphanet 93952, MedGen C1845543, MONDO:0010319, OMIM 300423.

Allele frequency attached by ClinVar (database versions not stated): gnomAD exomes 0.00001.
gnomAD v4.1: 9 of 1,211,026 alleles (0.00074%); highest among the groups gnomAD compares: South Asian, 0.0018%; no homozygotes.

Submission:

Labcorp Genetics (formerly Invitae), Labcorp
Classification: Uncertain significance for Intellectual developmental disorder, X-linked, syndromic, Hedera type. Last evaluated: 2022-11-01. Review status: criteria provided, single submitter. Criteria: Invitae Variant Classification Sherloc (09022015). Collection method: clinical testing. Allele origin: germline.
Comment: This sequence change replaces arginine, which is basic and polar, with cysteine, which is neutral and slightly polar, at codon 225 of the ATP6AP2 protein (p.Arg225Cys). This variant is present in population databases (no rsID available, gnomAD 0.001%). This variant has not been reported in the literature in individuals affected with ATP6AP2-related conditions. ClinVar contains an entry for this variant (Variation ID: 1381753). Advanced modeling of protein sequence and biophysical properties (such as structural, functional, and spatial information, amino acid conservation, physicochemical variation, residue mobility, and thermodynamic stability) performed at Invitae indicates that this missense variant is expected to disrupt ATP6AP2 protein function. In summary, the available evidence is currently insufficient to determine the role of this variant in disease. Therefore, it has been classified as a Variant of Uncertain Significance.